The following is an entry in ClinVar:

ClinVar aggregate classification (germline): Uncertain significance (1 of 4 stars; one submission).

Submission:

GeneDx
Classification: Uncertain significance. Last evaluated: 2026-04-14. Review status: criteria provided, single submitter. Criteria: GeneDx Variant Classification Process June 2021. Collection method: clinical testing. Allele origin: germline.
Comment: Not observed at significant frequency in large population cohorts (gnomAD); In-frame deletion of 1 amino acid in a non-repeat region; In silico analysis supports a deleterious effect on protein structure/function; Has not been previously published as pathogenic or benign to our knowledge

NM_013275.6(ANKRD11):c.5273CCT[1] (p.Ser1759del)

Gene: ANKRD11 (ankyrin repeat domain 11; minus strand). Cytogenetic location: 16q24.3.
Variant type: Microsatellite.
Coding change: c.5273CCT[1] on transcript NM_013275.6 (MANE Select); one copy of the 3-base unit CCT starting at c.5273; the reference has two copies in a row; one copy, 3 bases deleted.
Protein change: p.Ser1759del; deletes serine 1759.
Molecular consequence: inframe deletion.
Genome position (GRCh38, 1-based): chr16:89,281,264-89,281,266, AGG deleted on the plus strand (CCT on the coding strand, the reverse complement: ANKRD11 is on the minus strand); deleting any 3 consecutive bases within chr16:89,281,264-89,281,269 gives the same sequence; the position shown is the placement nearest the transcript's 3' end. VCF-style (leftmost placement, unchanged base first): chr16-89281263-AAGG-A. GRCh37 (hg19) VCF-style: chr16-89347671-AAGG-A.
Other names: c.5273CCT[1], p.Ser1759del (NM_001256182.2, NM_001256183.2); short protein forms S1759del.
Identifiers: ClinVar variation 5037034 (VCV005037034.1).